The following is an entry in ClinVar:

ClinVar aggregate classification (germline): Uncertain significance. Review status: criteria provided, multiple submitters, no conflicts (2 of 4 stars). 3 submissions from 3 submitters: Uncertain significance (3). Last evaluated 2024-06-26.

Conditions:
Granulomatous disease, chronic, autosomal recessive, cytochrome b-negative. Also called: GRANULOMATOUS DISEASE, CHRONIC, AUTOSOMAL RECESSIVE, 4; Chronic granulomatous disease, autosomal, due to deficiency of CYBA; CGD DUE TO DEFICIENCY OF THE ALPHA SUBUNIT OF CYTOCHROME b; CGD, AUTOSOMAL RECESSIVE CYTOCHROME b-NEGATIVE; CYBA DEFICIENCY. Identifiers: Orphanet 379, MedGen C1856255, MONDO:0009308, OMIM 233690.
Inborn genetic diseases. Identifiers: MedGen C0950123, MeSH D030342.

Allele frequency attached by ClinVar (database versions not stated): gnomAD 0.00003; ExAC 0.00005; gnomAD exomes 0.00005; TOPMed 0.00005.
gnomAD v4.1: 81 of 1,612,604 alleles (0.005%); highest among the groups gnomAD compares: South Asian, 0.022%; 2 homozygotes.

Submissions (3):

Ambry Genetics
Classification: Uncertain significance for Inborn genetic diseases. Last evaluated: 2024-06-26. Review status: criteria provided, single submitter. Criteria: Ambry Variant Classification Scheme 2023. Collection method: clinical testing. Allele origin: germline.

Labcorp Genetics (formerly Invitae), Labcorp
Classification: Uncertain significance for Granulomatous disease, chronic, autosomal recessive, cytochrome b-negative. Last evaluated: 2022-08-16. Review status: criteria provided, single submitter. Criteria: Invitae Variant Classification Sherloc (09022015). Collection method: clinical testing. Allele origin: germline.
Comment: This sequence change replaces valine, which is neutral and non-polar, with methionine, which is neutral and non-polar, at codon 27 of the CYBA protein (p.Val27Met). This variant is present in population databases (rs753373754, gnomAD 0.03%), including at least one homozygous and/or hemizygous individual. This variant has not been reported in the literature in individuals affected with CYBA-related conditions. ClinVar contains an entry for this variant (Variation ID: 1326796). Algorithms developed to predict the effect of missense changes on protein structure and function are either unavailable or do not agree on the potential impact of this missense change (SIFT: "Deleterious"; PolyPhen-2: "Probably Damaging"; Align-GVGD: "Class C0"). In summary, the available evidence is currently insufficient to determine the role of this variant in disease. Therefore, it has been classified as a Variant of Uncertain Significance.

GeneDx
Classification: Uncertain significance. Last evaluated: 2021-04-26. Review status: criteria provided, single submitter. Criteria: GeneDx Variant Classification Process June 2021. Collection method: clinical testing. Allele origin: germline. Affected: yes.
Comment: Has not been previously published as pathogenic or benign to our knowledge; In silico analysis supports that this missense variant does not alter protein structure/function

NM_000101.4(CYBA):c.79G>A (p.Val27Met)

Gene: CYBA (cytochrome b-245 alpha chain; minus strand). Cytogenetic location: 16q24.2.
Variant type: single nucleotide variant.
Coding change: c.79G>A on transcript NM_000101.4 (MANE Select); coding-DNA position 79, G replaced by A.
Protein change: p.Val27Met; replaces valine 27 with methionine.
Molecular consequence: missense variant.
Genome position (GRCh38, 1-based): chr16:88,648,094, C>T on the plus strand (G>A on the coding strand, the complement: CYBA is on the minus strand). VCF-style: chr16-88648094-C-T. GRCh37 (hg19) VCF-style: chr16-88714502-C-T.
Other names: short protein forms V27M.
Identifiers: ClinVar variation 1326796 (VCV001326796.4), dbSNP rs753373754, ClinGen allele CA8228450.